The following is an entry in ClinVar:

NM_000548.5(TSC2):c.3580T>C (p.Trp1194Arg)

Gene: TSC2 (TSC complex subunit 2; plus strand). Cytogenetic location: 16p13.3.
Variant type: single nucleotide variant.
Coding change: c.3580T>C on transcript NM_000548.5 (MANE Select); coding-DNA position 3580, T replaced by C.
Protein change: p.Trp1194Arg; replaces tryptophan 1194 with arginine.
Molecular consequence: missense variant. On other transcripts: non-coding transcript variant (5).
Genome position (GRCh38, 1-based): chr16:2,080,347, T>C. VCF-style: chr16-2080347-T-C. GRCh37 (hg19) VCF-style: chr16-2130348-T-C.
Other names: c.3304T>C, p.Trp1102Arg (NM_001318829.2); c.2848T>C, p.Trp950Arg (NM_001318831.2, NM_001406687.1, NM_001406688.1); c.3481T>C, p.Trp1161Arg (NM_001318832.2); c.3451T>C, p.Trp1151Arg (NM_001363528.2, NM_001370405.1, NM_021055.3); c.3448T>C, p.Trp1150Arg (NM_001406665.1, NM_001370404.1, NM_001077183.3); c.3541T>C, p.Trp1181Arg (NM_001406667.1); c.3538T>C, p.Trp1180Arg (NM_001406668.1); c.3469T>C, p.Trp1157Arg (NM_001406670.1); and 18 more; short protein forms W1113R, W1114R, W616R, W994R, W1101R, W1131R, W1150R, W1157R.
Identifiers: ClinVar variation 3637222 (VCV003637222.2).
Genomic context (GRCh38, chr16:2,080,347, plus strand): 5'-CGGGTTCCTGTGCAGGAGAAGACGAACCTGGCGGCCTATGTGCCCCTGCTGACCCAGGGC[T>C]GGGCGGAGATCCTGGTCCGGAGGCCCACAGGTACTGGGCGGGGCTGGCCTGAGCGCCATC-3'
Protein context (NP_000539.2, residues 1184-1204): AAYVPLLTQG[Trp1194Arg]AEILVRRPTG

ClinVar aggregate classification (germline): Uncertain significance (1 of 4 stars; one submission).

Conditions:
Tuberous sclerosis 2 (TSC2). Identifiers: Orphanet 805, MedGen C1860707, MONDO:0013199, OMIM 613254.

Submission:

Labcorp Genetics (formerly Invitae), Labcorp
Classification: Uncertain significance for Tuberous sclerosis 2. Last evaluated: 2024-09-19. Review status: criteria provided, single submitter. Criteria: Invitae Variant Classification Sherloc (09022015). Collection method: clinical testing. Allele origin: germline.
Comment: This sequence change replaces tryptophan, which is neutral and slightly polar, with arginine, which is basic and polar, at codon 1194 of the TSC2 protein (p.Trp1194Arg). This variant is not present in population databases (gnomAD no frequency). This variant has not been reported in the literature in individuals affected with TSC2-related conditions. Invitae Evidence Modeling of protein sequence and biophysical properties (such as structural, functional, and spatial information, amino acid conservation, physicochemical variation, residue mobility, and thermodynamic stability) indicates that this missense variant is expected to disrupt TSC2 protein function with a positive predictive value of 95%. In summary, the available evidence is currently insufficient to determine the role of this variant in disease. Therefore, it has been classified as a Variant of Uncertain Significance.